The following is an entry in ClinVar:

ClinVar aggregate classification (germline): Uncertain significance (0 of 4 stars; one submission).

Conditions:
NONO-related disorder. Also called: NONO-related condition.

gnomAD v4.1: 1 of 1,209,948 alleles (0.000083%); highest among the groups gnomAD compares: Admixed American, 0.0022%; no homozygotes.

Submission:

PreventionGenetics, part of Exact Sciences
Classification: Uncertain significance for NONO-related condition. Last evaluated: 2024-04-04. Review status: no assertion criteria provided. Collection method: clinical testing. Allele origin: germline.
Comment: The NONO c.1062G>C variant is predicted to result in the amino acid substitution p.Glu354Asp. To our knowledge, this variant has not been reported in the literature or in a large population database, indicating this variant is rare. At this time, the clinical significance of this variant is uncertain due to the absence of conclusive functional and genetic evidence.

NM_007363.5(NONO):c.1062G>C (p.Glu354Asp)

Gene: NONO (non-POU domain containing octamer binding; plus strand). Cytogenetic location: Xq13.1.
Variant type: single nucleotide variant.
Coding change: c.1062G>C on transcript NM_007363.5 (MANE Select); coding-DNA position 1062, G replaced by C.
Protein change: p.Glu354Asp; replaces glutamic acid 354 with aspartic acid.
Molecular consequence: missense variant.
Genome position (GRCh38, 1-based): chrX:71,297,869, G>C. VCF-style: chrX-71297869-G-C. GRCh37 (hg19) VCF-style: chrX-70517719-G-C.
Other names: c.1062G>C, p.Glu354Asp (NM_001145408.2, NM_001145409.2); c.795G>C, p.Glu265Asp (NM_001145410.2); short protein forms E265D, E354D.
Identifiers: ClinVar variation 3348842 (VCV003348842.1).
Genomic context (GRCh38, chrX:71,297,869, plus strand): 5'-CTTAAATACATTGGTGACTCTCTGTAGGCAGGAGGAAGAGCGCAGGCGCCGTGAAGAAGA[G>C]ATGCGGCGGCAGCAAGAAGAAATGATGCGGCGACAGCAGGAAGGATTCAAGGGAACCTTC-3'
Protein context (NP_031389.3, residues 344-364): QEEERRRREE[Glu354Asp]MRRQQEEMMR